The following is an entry in ClinVar:

ClinVar aggregate classification (germline): Uncertain significance (1 of 4 stars; one submission).

Allele frequency attached by ClinVar (database versions not stated): gnomAD exomes below 0.00001; gnomAD 0.00002; ExAC 0.00003; TOPMed 0.00005.
gnomAD v4.1: 12 of 1,614,090 alleles (0.00074%); highest among the groups gnomAD compares: East Asian, 0.022%; no homozygotes.

Submission:

Labcorp Genetics (formerly Invitae), Labcorp
Classification: Uncertain significance. Last evaluated: 2023-12-23. Review status: criteria provided, single submitter. Criteria: Invitae Variant Classification Sherloc (09022015). Collection method: clinical testing. Allele origin: germline.
Comment: This sequence change replaces methionine, which is neutral and non-polar, with threonine, which is neutral and polar, at codon 933 of the COL4A2 protein (p.Met933Thr). This variant is present in population databases (rs758826364, gnomAD 0.03%). This variant has not been reported in the literature in individuals affected with COL4A2-related conditions. Advanced modeling of protein sequence and biophysical properties (such as structural, functional, and spatial information, amino acid conservation, physicochemical variation, residue mobility, and thermodynamic stability) performed at Invitae indicates that this missense variant is not expected to disrupt COL4A2 protein function with a negative predictive value of 95%. In summary, the available evidence is currently insufficient to determine the role of this variant in disease. Therefore, it has been classified as a Variant of Uncertain Significance.

NM_001846.4(COL4A2):c.2798T>C (p.Met933Thr)

Gene: COL4A2 (collagen type IV alpha 2 chain; plus strand). Cytogenetic location: 13q34.
Variant type: single nucleotide variant.
Coding change: c.2798T>C on transcript NM_001846.4 (MANE Select); coding-DNA position 2798, T replaced by C.
Protein change: p.Met933Thr; replaces methionine 933 with threonine.
Molecular consequence: missense variant.
Genome position (GRCh38, 1-based): chr13:110,482,555, T>C. VCF-style: chr13-110482555-T-C. GRCh37 (hg19) VCF-style: chr13-111134902-T-C.
Other names: short protein forms M933T.
Identifiers: ClinVar variation 2984942 (VCV002984942.3), dbSNP rs758826364, ClinGen allele CA7050007.
Genomic context (GRCh38, chr13:110,482,555, plus strand): 5'-CTTTTCTCTTTTCCTCTGAAGGAGATAGAGGCTCACCTGGGATGGATGGTTTCCAAGGCA[T>C]GCCTGGACTCAAAGGGAGACCCGGGTTTCCAGGGAGCAAAGGCGAGGCTGGATTTTTCGG-3'
Protein context (NP_001837.2, residues 923-943): GSPGMDGFQG[Met933Thr]PGLKGRPGFP